The following is an entry in ClinVar:

ClinVar aggregate classification (germline): Pathogenic (1 of 4 stars; one submission).

Conditions:
Hereditary cancer-predisposing syndrome. Also called: Hereditary Cancer Syndrome; Hereditary neoplastic syndrome; Tumor predisposition; Neoplastic Syndromes, Hereditary. Identifiers: Orphanet 140162, MedGen C0027672, MeSH D009386, MONDO:0015356.

Submission:

Ambry Genetics
Classification: Pathogenic for Hereditary cancer-predisposing syndrome. Last evaluated: 2018-04-26. Review status: criteria provided, single submitter. Criteria: Ambry Variant Classification Scheme 2023. Collection method: clinical testing. Allele origin: germline.
Comment: The c.2425_2449del25 pathogenic mutation, located in coding exon 4 of the MSH6 gene, results from a deletion of 25 nucleotides at nucleotide positions 2425 to 2449, causing a translational frameshift with a predicted alternate stop codon (p.V809Ifs*16). This alteration is expected to result in loss of function by premature protein truncation or nonsense-mediated mRNA decay. As such, this alteration is interpreted as a disease-causing mutation.

NM_000179.3(MSH6):c.2425_2449del (p.Val809fs)

Gene: MSH6 (mutS homolog 6; plus strand). Cytogenetic location: 2p16.3.
Variant type: Deletion.
Coding change: c.2425_2449del on transcript NM_000179.3 (MANE Select); coding-DNA positions 2425 to 2449, 25 bases deleted (GTAGAGCTTCTAAAGAAGCTTCCAG).
Protein change: p.Val809fs; shifts the reading frame from valine 809.
Molecular consequence: frameshift variant.
Genome position (GRCh38, 1-based): chr2:47,800,408-47,800,432, GTAGAGCTTCTAAAGAAGCTTCCAG deleted. VCF-style (leftmost placement, unchanged base first): chr2-47800407-TGTAGAGCTTCTAAAGAAGCTTCCAG-T. GRCh37 (hg19) VCF-style: chr2-48027546-TGTAGAGCTTCTAAAGAAGCTTCCAG-T.
Other names: c.2035_2059del, p.Val679fs (NM_001281492.2); c.1519_1543del, p.Val507fs (NM_001281493.2, NM_001281494.2); c.2521_2545del25, p.Val841Ilefs (NM_001406795.1, NM_001406802.1); c.2425_2449del25, p.Val809Ilefs (NM_001406796.1, NM_001406798.1, NM_001406800.1 and 2 more transcripts); c.2128_2152del25, p.Val710Ilefs (NM_001406797.1, NM_001406801.1, NM_001406805.1 and 10 more transcripts); c.1900_1924del25, p.Val634Ilefs (NM_001406799.1, NM_001406806.1, NM_001406807.1); c.2347_2371del25, p.Val783Ilefs (NM_001406804.1); c.1519_1543del25, p.Val507Ilefs (NM_001406811.1, NM_001406812.1, NM_001406814.1 and 4 more transcripts); and 2 more; short protein forms V809fs, V507fs, V679fs.
Identifiers: ClinVar variation 1791068 (VCV001791068.2), dbSNP rs2530671707, ClinGen allele CA2580067910.
Genomic context (GRCh38, chr2:47,800,407, plus strand): 5'-TAATGATCGTCTAGATGCCATAGAAGACCTCATGGTTGTGCCTGACAAAATCTCCGAAGT[TGTAGAGCTTCTAAAGAAGCTTCCAG>T]ATCTTGAGAGGCTACTCAGTAAAATTCATAATGTTGGGTCTCCCCTGAAGAGTCAGAACC-3'